The following is an entry in ClinVar:

NM_000797.4(DRD4):c.222G>A (p.Val74=)

Gene: DRD4 (dopamine receptor D4; plus strand). Cytogenetic location: 11p15.5.
Variant type: single nucleotide variant.
Coding change: c.222G>A on transcript NM_000797.4 (MANE Select); coding-DNA position 222, G replaced by A.
Protein change: p.Val74=; no amino-acid change (valine 74 retained).
Molecular consequence: synonymous variant.
Genome position (GRCh38, 1-based): chr11:637,526, G>A. VCF-style: chr11-637526-G-A. GRCh37 (hg19) VCF-style: chr11-637526-G-A.
Identifiers: ClinVar variation 714338 (VCV000714338.6), dbSNP rs139480839, ClinGen allele CA5785560.
Genomic context (GRCh38, chr11:637,526, plus strand): 5'-CGTGTGCGTGAGCGTGGCCACCGAGCGCGCCCTGCAGACGCCCACCAACTCCTTCATCGT[G>A]AGCCTGGCGGCCGCCGACCTCCTCCTCGCTCTCCTGGTGCTGCCGCTCTTCGTCTACTCC-3'
Protein context (NP_000788.2, residues 64-84): ALQTPTNSFI[Val74=]SLAAADLLLA

ClinVar aggregate classification (germline): Benign. Review status: criteria provided, multiple submitters, no conflicts (2 of 4 stars). 3 submissions from 3 submitters: Benign (2). 1 of the submissions does not count toward it. Last evaluated 2018-03-29.

Conditions:
DRD4-related disorder. Also called: DRD4-related condition.

Allele frequency attached by ClinVar (database versions not stated): gnomAD exomes 0.00051; gnomAD 0.00058 and 0.00059; TOPMed 0.00062; ESP Exome Variant Server 0.00078; ExAC 0.00115.
gnomAD v4.1: 1,957 of 1,564,526 alleles (0.13%); highest among the groups gnomAD compares: Non-Finnish European, 0.16%; 1 homozygote.

Submissions (3):

Labcorp Genetics (formerly Invitae), Labcorp
Classification: Benign. Last evaluated: 2018-03-29. Review status: criteria provided, single submitter. Criteria: Invitae Variant Classification Sherloc (09022015). Collection method: clinical testing. Allele origin: germline.

Breakthrough Genomics
Classification: Benign. Review status: criteria provided, single submitter. Criteria: ACMG Guidelines, 2015. Collection method: not provided. Allele origin: germline. Inheritance: Autosomal dominant inheritance. Affected: yes.

PreventionGenetics, part of Exact Sciences
Classification: Likely benign for DRD4-related condition. Last evaluated: 2019-12-23. Review status: no assertion criteria provided. Collection method: clinical testing. Allele origin: germline. Not counted in ClinVar's aggregate classification.
Comment: This variant is classified as likely benign based on ACMG/AMP sequence variant interpretation guidelines (Richards et al. 2015 PMID: 25741868, with internal and published modifications).